The following is an entry in ClinVar:

ClinVar aggregate classification (germline): Uncertain significance (1 of 4 stars; one submission).

Conditions:
Renal coloboma syndrome (PAPRS). Also called: PAPILLORENAL SYNDROME; COLOBOMA OF OPTIC NERVE WITH RENAL DISEASE; RENAL-COLOBOMA SYNDROME WITH MACULAR ABNORMALITIES; PAPILLORENAL SYNDROME WITH MILD OCULAR ABNORMALITIES; CONGENITAL ANOMALIES OF THE KIDNEY AND URINARY TRACT WITH OR WITHOUT OCULAR ABNORMALITIES; CAKUT WITH OR WITHOUT OCULAR ABNORMALITIES. Identifiers: Orphanet 1475, MedGen C1852759, MONDO:0007352, OMIM 120330.
Focal segmental glomerulosclerosis 7 (FSGS7). Identifiers: Orphanet 656, MedGen C4014925, MONDO:0014451, OMIM 616002.

gnomAD v4.1: 1 of 1,612,138 alleles (0.000062%); highest among the groups gnomAD compares: Non-Finnish European, 0.000085%; no homozygotes.

Submission:

Labcorp Genetics (formerly Invitae), Labcorp
Classification: Uncertain significance for Renal coloboma syndrome; Focal segmental glomerulosclerosis 7. Last evaluated: 2022-09-05. Review status: criteria provided, single submitter. Criteria: Invitae Variant Classification Sherloc (09022015). Collection method: clinical testing. Allele origin: germline.
Comment: In summary, the available evidence is currently insufficient to determine the role of this variant in disease. Therefore, it has been classified as a Variant of Uncertain Significance. Experimental studies and prediction algorithms are not available or were not evaluated, and the functional significance of this variant is currently unknown. This variant has not been reported in the literature in individuals affected with PAX2-related conditions. This variant is not present in population databases (gnomAD no frequency). This sequence change replaces alanine, which is neutral and non-polar, with valine, which is neutral and non-polar, at codon 370 of the PAX2 protein (p.Ala370Val).

NM_000278.5(PAX2):c.1026C>T (p.Ser342=)

Gene: PAX2 (paired box 2; plus strand). Cytogenetic location: 10q24.31.
Variant type: single nucleotide variant.
Coding change: c.1026C>T on transcript NM_000278.5 (MANE Select); coding-DNA position 1026, C replaced by T.
Protein change: p.Ser342=; no amino-acid change (serine 342 retained).
Molecular consequence: synonymous variant. On other transcripts: missense variant (1).
Genome position (GRCh38, 1-based): chr10:100,827,013, C>T. VCF-style: chr10-100827013-C-T. GRCh37 (hg19) VCF-style: chr10-102586770-C-T.
Other names: c.1119C>T, p.Ser373= (NM_001304569.2); c.1095C>T, p.Ser365= (NM_003987.5, NM_003990.5); c.1109C>T, p.Ala370Val (NM_003988.5); c.1026C>T, p.Ser342= (NM_003989.5); short protein forms A370V.
Identifiers: ClinVar variation 1718848 (VCV001718848.6), dbSNP rs754024919, ClinGen allele CA378259928.